The following is an entry in ClinVar:

NM_001385682.1(MAP4):c.403C>T (p.Pro135Ser)

Gene: MAP4 (microtubule associated protein 4; minus strand). Cytogenetic location: 3p21.31.
Variant type: single nucleotide variant.
Coding change: c.403C>T on transcript NM_001385682.1 (MANE Select); coding-DNA position 403, C replaced by T.
Protein change: p.Pro135Ser; replaces proline 135 with serine.
Molecular consequence: missense variant. On other transcripts: intron variant (1).
Genome position (GRCh38, 1-based): chr3:47,928,240, G>A on the plus strand (C>T on the coding strand, the complement: MAP4 is on the minus strand). VCF-style: chr3-47928240-G-A. GRCh37 (hg19) VCF-style: chr3-47969730-G-A.
Other names: c.334C>T, p.Pro112Ser (NM_001384746.1, NM_001384753.1, NM_001384757.1 and 17 more transcripts); c.439C>T, p.Pro147Ser (NM_001384748.1, NM_001384872.1, NM_001384873.1 and 6 more transcripts); c.403C>T, p.Pro135Ser (NM_001384751.1, NM_001384752.1, NM_001384754.1 and 82 more transcripts); c.454C>T, p.Pro152Ser (NM_001384788.1, NM_001384789.1, NM_001385681.1 and 14 more transcripts); c.82C>T, p.Pro28Ser (NM_001384845.1, NM_001384839.1, NM_001384862.1 and 1 more transcripts); c.487C>T, p.Pro163Ser (NM_001384849.1, NM_001384863.1); c.293-9399C>T (NM_001384807.1); c.490C>T, p.Pro164Ser (NM_001384795.1); short protein forms P112S, P135S, P147S, P152S, P163S, P164S, P28S.
Identifiers: ClinVar variation 3043861 (VCV003043861.2), dbSNP rs76535647, ClinGen allele CA2371664.
Genomic context (GRCh38, chr3:47,928,240, plus strand): 5'-TTTATGTCATAGCACACATTTAGTAGTCACGAGCAAGCCAACACTTACCAGTCTGGATAG[G>A]ATCGACCACTTGCTCAGGTTGGAAACAAAAGTTGGTATCTTCTGGCCAGTTCTGGCTATT-3'
Protein context (NP_001372611.1, residues 125-145): FCFQPEQVVD[Pro135Ser]IQTDPFKMYH

ClinVar aggregate classification (germline): Benign (0 of 4 stars; one submission).

Conditions:
MAP4-related disorder. Also called: MAP4-related condition.

Allele frequency attached by ClinVar (database versions not stated): ExAC 0.00133; 1000 Genomes Project 30x 0.00312; gnomAD exomes 0.00044; 1000 Genomes Project 0.00319; ESP Exome Variant Server 0.00461; gnomAD 0.00407; TOPMed 0.00507.
gnomAD v4.1: 1,278 of 1,614,176 alleles (0.079%); highest among the groups gnomAD compares: African/African-American, 1.6%; 13 homozygotes.

Submission:

PreventionGenetics, part of Exact Sciences
Classification: Benign for MAP4-related condition. Last evaluated: 2019-06-06. Review status: no assertion criteria provided. Collection method: clinical testing. Allele origin: germline.
Comment: This variant is classified as benign based on ACMG/AMP sequence variant interpretation guidelines (Richards et al. 2015 PMID: 25741868, with internal and published modifications).